The following is an entry in ClinVar:

ClinVar aggregate classification (germline): Uncertain significance. Review status: criteria provided, multiple submitters, no conflicts (2 of 4 stars). 3 submissions from 3 submitters: Uncertain significance (2). 1 of the submissions does not count toward it. Last evaluated 2025-08-12.

Conditions:
Hereditary cancer-predisposing syndrome. Also called: Hereditary Cancer Syndrome; Neoplastic Syndromes, Hereditary; Tumor predisposition; Hereditary neoplastic syndrome. Identifiers: Orphanet 140162, MedGen C0027672, MeSH D009386, MONDO:0015356.
Ataxia-telangiectasia syndrome (AT). Also called: Cerebello-oculocutaneous telangiectasia; Immunodeficiency with ataxia telangiectasia; Ataxia-telangiectasia, complementation group E; Ataxia-telangiectasia, complementation group D; AT, COMPLEMENTATION GROUP C; ATAXIA-TELANGIECTASIA, COMPLEMENTATION GROUP A. Identifiers: Orphanet 100, MedGen C0004135, MONDO:0008840, OMIM 208900.

Allele frequency attached by ClinVar (database versions not stated): gnomAD exomes 0.00001.
gnomAD v4.1: 6 of 1,614,098 alleles (0.00037%); highest among the groups gnomAD compares: Non-Finnish European, 0.00051%; no homozygotes.

Submissions (3):

Ambry Genetics
Classification: Uncertain significance for Hereditary cancer-predisposing syndrome. Last evaluated: 2025-08-12. Review status: criteria provided, single submitter. Criteria: Ambry Variant Classification Scheme 2023. Collection method: clinical testing. Allele origin: germline.
Comment: The p.G2496R variant (also known as c.7486G>C), located in coding exon 49 of the ATM gene, results from a G to C substitution at nucleotide position 7486. The glycine at codon 2496 is replaced by arginine, an amino acid with dissimilar properties. This amino acid position is conserved. In addition, this alteration is predicted to be tolerated by in silico analysis. Based on the available evidence, the clinical significance of this variant remains unclear.

Labcorp Genetics (formerly Invitae), Labcorp
Classification: Uncertain significance for Ataxia-telangiectasia syndrome. Last evaluated: 2021-08-26. Review status: criteria provided, single submitter. Criteria: Invitae Variant Classification Sherloc (09022015). Collection method: clinical testing. Allele origin: germline.
Comment: This sequence change replaces glycine with arginine at codon 2496 of the ATM protein (p.Gly2496Arg). The glycine residue is weakly conserved and there is a moderate physicochemical difference between glycine and arginine. This variant is not present in population databases (ExAC no frequency). This variant has not been reported in the literature in individuals affected with ATM-related conditions. Algorithms developed to predict the effect of missense changes on protein structure and function (SIFT, PolyPhen-2, Align-GVGD) all suggest that this variant is likely to be tolerated. In summary, the available evidence is currently insufficient to determine the role of this variant in disease. Therefore, it has been classified as a Variant of Uncertain Significance.

Natera, Inc.
Classification: Uncertain significance for Ataxia-telangiectasia. Last evaluated: 2020-07-23. Review status: no assertion criteria provided. Collection method: clinical testing. Allele origin: germline. Not counted in ClinVar's aggregate classification.

NM_000051.4(ATM):c.7486G>C (p.Gly2496Arg)

Genes: ATM (ATM serine/threonine kinase; plus strand), C11orf65 (chromosome 11 open reading frame 65; minus strand). Cytogenetic location: 11q22.3.
Variant type: single nucleotide variant.
Coding change: c.7486G>C on transcript NM_000051.4 (MANE Select); coding-DNA position 7486, G replaced by C.
Protein change: p.Gly2496Arg; replaces glycine 2496 with arginine.
Molecular consequence: missense variant. On other transcripts: intron variant (2).
Genome position (GRCh38, 1-based): chr11:108,330,392, G>C. VCF-style: chr11-108330392-G-C. GRCh37 (hg19) VCF-style: chr11-108201119-G-C.
Other names: c.7486G>C, p.Gly2496Arg (NM_001351834.2); c.641-21321C>G (NM_001330368.2); c.*38+4828C>G (NM_001351110.2); short protein forms G2496R.
Identifiers: ClinVar variation 569749 (VCV000569749.17), dbSNP rs1565530187, ClinGen allele CA382560508.